The following is an entry in ClinVar:

NM_024996.7(GFM1):c.1602-2del

Gene: GFM1 (G elongation factor mitochondrial 1; plus strand). Cytogenetic location: 3q25.32.
Variant type: Deletion.
Coding change: c.1602-2del on transcript NM_024996.7 (MANE Select); the canonical splice acceptor site of the intron before coding-DNA position 1602, one base deleted (A; older notation c.1602-2delA).
Molecular consequence: splice acceptor variant.
Genome position (GRCh38, 1-based): chr3:158,681,993, A deleted. VCF-style (leftmost placement, unchanged base first): chr3-158681992-CA-C. GRCh37 (hg19) VCF-style: chr3-158399781-CA-C.
Other names: c.1659-2del (NM_001308164.2); c.1377-2del (NM_001374357.1); c.1521-2del (NM_001374355.1); c.1485-2del (NM_001374356.1); c.1035-2del (NM_001374359.1, NM_001374360.1); c.918-2del (NM_001374361.1); c.1143-2del (NM_001374358.1); c.1602-2del (NM_001308166.2).
Identifiers: ClinVar variation 2698321 (VCV002698321.3), dbSNP rs2473036325, ClinGen allele CA2697556965.

ClinVar aggregate classification (germline): Likely pathogenic (1 of 4 stars; one submission).

Submission:

Labcorp Genetics (formerly Invitae), Labcorp
Classification: Likely pathogenic. Last evaluated: 2023-11-24. Review status: criteria provided, single submitter. Criteria: Invitae Variant Classification Sherloc (09022015). Collection method: clinical testing. Allele origin: germline.
Comment: This sequence change affects a splice site in intron 13 of the GFM1 gene. It is expected to disrupt RNA splicing. Variants that disrupt the donor or acceptor splice site typically lead to a loss of protein function (PMID: 16199547), and loss-of-function variants in GFM1 are known to be pathogenic (PMID: 16632485, 17160893). This variant is not present in population databases (gnomAD no frequency). This variant has not been reported in the literature in individuals affected with GFM1-related conditions. Algorithms developed to predict the effect of sequence changes on RNA splicing suggest that this variant may disrupt the consensus splice site. In summary, the currently available evidence indicates that the variant is pathogenic, but additional data are needed to prove that conclusively. Therefore, this variant has been classified as Likely Pathogenic.

Literature cited by the submitters: PubMed 16199547; PubMed 16632485; PubMed 17160893.